The following is an entry in ClinVar:

NM_001320.7(CSNK2B):c.332G>T (p.Arg111Leu)

Gene: CSNK2B (casein kinase 2 beta; plus strand). Cytogenetic location: 6p21.33.
Variant type: single nucleotide variant.
Coding change: c.332G>T on transcript NM_001320.7 (MANE Select); coding-DNA position 332, G replaced by T.
Protein change: p.Arg111Leu; replaces arginine 111 with leucine.
Molecular consequence: missense variant.
Genome position (GRCh38, 1-based): chr6:31,669,137, G>T. VCF-style: chr6-31669137-G-T. GRCh37 (hg19) VCF-style: chr6-31636914-G-T.
Other names: c.332G>T, p.Arg111Leu (NM_001282385.2); short protein forms R111L.
Identifiers: ClinVar variation 3391794 (VCV003391794.3).
Genomic context (GRCh38, chr6:31,669,137, plus strand): 5'-TTCCATTGTATTCACCTCAGTTGGAAAAGTACCAGCAAGGAGACTTTGGTTACTGTCCTC[G>T]TGTGTACTGTGAGAACCAGCCAATGCTTCCCATTGGTGAGTGTTGAAGAAGGGAAAGGAA-3'
Protein context (NP_001311.3, residues 101-121): YQQGDFGYCP[Arg111Leu]VYCENQPMLP

ClinVar aggregate classification (germline): Likely pathogenic (1 of 4 stars; one submission).

Submission:

GeneDx
Classification: Likely pathogenic. Last evaluated: 2026-10-16. Review status: criteria provided, single submitter. Criteria: GeneDx Variant Classification Process June 2021. Collection method: clinical testing. Allele origin: germline.
Comment: Not observed at significant frequency in large population cohorts (gnomAD); In silico analysis supports that this missense variant has a deleterious effect on protein structure/function; Has not been previously published as pathogenic or benign to our knowledge